The following is an entry in ClinVar:

ClinVar aggregate classification (germline): Uncertain significance. Review status: criteria provided, multiple submitters, no conflicts (2 of 4 stars). 2 submissions from 2 submitters: Uncertain significance (2). Last evaluated 2025-07-29.

Conditions:
DICER1-related tumor predisposition. Also called: DICER1-related pleuropulmonary blastoma cancer predisposition syndrome; DICER1 syndrome. Identifiers: Orphanet 284343, MedGen C3839822, MONDO:0100216.
Hereditary cancer-predisposing syndrome. Also called: Neoplastic Syndromes, Hereditary; Hereditary Cancer Syndrome; Tumor predisposition; Hereditary neoplastic syndrome. Identifiers: Orphanet 140162, MedGen C0027672, MeSH D009386, MONDO:0015356.

Allele frequency attached by ClinVar (database versions not stated): gnomAD 0.00001.
gnomAD v4.1: 1 of 1,613,868 alleles (0.000062%); highest among the groups gnomAD compares: Non-Finnish European, 0.000085%; no homozygotes.

Submissions (2):

Labcorp Genetics (formerly Invitae), Labcorp
Classification: Uncertain significance for DICER1-related tumor predisposition. Last evaluated: 2025-07-29. Review status: criteria provided, single submitter. Criteria: Invitae Variant Classification Sherloc (09022015). Collection method: clinical testing. Allele origin: germline.
Comment: This sequence change replaces threonine, which is neutral and polar, with serine, which is neutral and polar, at codon 719 of the DICER1 protein (p.Thr719Ser). This variant is present in population databases (no rsID available, gnomAD 0.007%). This variant has not been reported in the literature in individuals affected with DICER1-related conditions. ClinVar contains an entry for this variant (Variation ID: 1470323). Invitae Evidence Modeling of protein sequence and biophysical properties (such as structural, functional, and spatial information, amino acid conservation, physicochemical variation, residue mobility, and thermodynamic stability) indicates that this missense variant is not expected to disrupt DICER1 protein function with a negative predictive value of 95%. In summary, the available evidence is currently insufficient to determine the role of this variant in disease. Therefore, it has been classified as a Variant of Uncertain Significance.

Ambry Genetics
Classification: Uncertain significance for Hereditary cancer-predisposing syndrome. Last evaluated: 2022-06-13. Review status: criteria provided, single submitter. Criteria: Ambry Variant Classification Scheme 2023. Collection method: clinical testing. Allele origin: germline.
Comment: The p.T719S variant (also known as c.2156C>G), located in coding exon 13 of the DICER1 gene, results from a C to G substitution at nucleotide position 2156. The threonine at codon 719 is replaced by serine, an amino acid with similar properties. This amino acid position is conserved. In addition, this alteration is predicted to be tolerated by in silico analysis. Since supporting evidence is limited at this time, the clinical significance of this alteration remains unclear.

NM_177438.3(DICER1):c.2156C>G (p.Thr719Ser)

Gene: DICER1 (dicer 1, ribonuclease III; minus strand). Cytogenetic location: 14q32.13.
Variant type: single nucleotide variant.
Coding change: c.2156C>G on transcript NM_177438.3 (MANE Select); coding-DNA position 2156, C replaced by G.
Protein change: p.Thr719Ser; replaces threonine 719 with serine.
Molecular consequence: missense variant.
Genome position (GRCh38, 1-based): chr14:95,111,417, G>C on the plus strand (C>G on the coding strand, the complement: DICER1 is on the minus strand). VCF-style: chr14-95111417-G-C. GRCh37 (hg19) VCF-style: chr14-95577754-G-C.
Other names: c.2156C>G, p.Thr719Ser (NM_001195573.1, NM_001271282.3, NM_001291628.2 and 1 more transcripts); short protein forms T719S.
Identifiers: ClinVar variation 1470323 (VCV001470323.11), dbSNP rs1342513692, ClinGen allele CA390882800.